The following is an entry in ClinVar:

NM_004928.3(CFAP410):c.96+1G>T

Gene: CFAP410 (cilia and flagella associated protein 410; minus strand). Cytogenetic location: 21q22.3.
Variant type: single nucleotide variant.
Coding change: c.96+1G>T on transcript NM_004928.3 (MANE Select); the canonical splice donor site of the intron after coding-DNA position 96, G replaced by T.
Molecular consequence: splice donor variant.
Genome position (GRCh38, 1-based): chr21:44,337,648, C>A on the plus strand (G>T on the coding strand, the complement: CFAP410 is on the minus strand). VCF-style: chr21-44337648-C-A. GRCh37 (hg19) VCF-style: chr21-45757531-C-A.
Other names: c.96+1G>T (NM_001271440.2, NM_001271441.2); c.-116+1G>T (NM_001271442.1).
Identifiers: ClinVar variation 866283 (VCV000866283.11), dbSNP rs752137434, ClinGen allele CA10053875.
Genomic context (GRCh38, chr21:44,337,648, plus strand): 5'-TTGGGTTGAGGCTATTTGGAGATGATCAGTGCAATACTTACATCTGTGAGGCAATACTTA[C>A]ATCTGTGAGGCGGCTGCCCCTGGGGAGAGAAAAGATACATACTTTAATTTTGTTAAAGTT-3'

ClinVar aggregate classification (germline): Pathogenic/Likely pathogenic. Review status: criteria provided, multiple submitters, no conflicts (2 of 4 stars). 3 submissions from 3 submitters: Pathogenic (2); Likely pathogenic (1). Last evaluated 2026-08-26.

Conditions:
CFAP410-related disorder. Also called: CFAP410-related condition.

Allele frequency attached by ClinVar (database versions not stated): TOPMed below 0.00001; ExAC 0.00001.
gnomAD v4.1: 6 of 1,612,820 alleles (0.00037%); highest among the groups gnomAD compares: South Asian, 0.0033%; no homozygotes.

Submissions (3):

PreventionGenetics, part of Exact Sciences
Classification: Pathogenic for CFAP410-related condition. Last evaluated: 2026-08-26. Review status: criteria provided, single submitter. Criteria: ACMG Guidelines, 2015. Collection method: clinical testing. Allele origin: germline.
Comment: The CFAP410 c.96+1G>T variant is predicted to disrupt the GT donor site and interfere with normal splicing. To our knowledge, this variant has not been reported in the literature. This variant is reported in 0.0033% of alleles in individuals of South Asian descent in gnomAD. Variants that disrupt the consensus splice donor site in CFAP410 are expected to be pathogenic. Other variants affecting the same canonical splice site (i.e. 96+1G>A) have been reported in the homozygous state or along with a second CFAP410 variant in individuals with cone-rod dystrophy (gene also known as C21orf2 in Supplemental Table A.2 Huang et al. 2016. PubMed ID: 26992781; Supplemental Table 4, Rodríguez-Muñoz et al. 2020. PubMed ID: 32036094; Sangermano et al. 2024. PubMed ID: 39516462). This variant is interpreted as pathogenic.

Labcorp Genetics (formerly Invitae), Labcorp
Classification: Pathogenic. Last evaluated: 2025-08-03. Review status: criteria provided, single submitter. Criteria: Invitae Variant Classification Sherloc (09022015). Collection method: clinical testing. Allele origin: germline.
Comment: This sequence change affects a donor splice site in intron 2 of the CFAP410 gene. It is expected to disrupt RNA splicing. Variants that disrupt the donor or acceptor splice site typically lead to a loss of protein function (PMID: 16199547), and loss-of-function variants in CFAP410 are known to be pathogenic (PMID: 23105016, 26167768). This variant is present in population databases (rs752137434, gnomAD 0.003%). Disruption of this splice site has been observed in individuals with cone-rod dystrophy (PMID: 26992781, 32036094). ClinVar contains an entry for this variant (Variation ID: 866283). Algorithms developed to predict the effect of sequence changes on RNA splicing suggest that this variant may disrupt the consensus splice site. For these reasons, this variant has been classified as Pathogenic.

Blueprint Genetics
Classification: Likely pathogenic for CFAP410-related disorders. Last evaluated: 2022-06-30. Review status: criteria provided, single submitter. Criteria: ACMG Guidelines, 2015. Collection method: clinical testing. Allele origin: germline. Affected: yes. Observed: 2 variant alleles.

Literature cited by the submitters: PubMed 16199547 (cited by Labcorp Genetics (formerly Invitae), Labcorp); PubMed 23105016 (cited by Labcorp Genetics (formerly Invitae), Labcorp); PubMed 26167768 (cited by Labcorp Genetics (formerly Invitae), Labcorp); PubMed 26992781 (cited by Labcorp Genetics (formerly Invitae), Labcorp); PubMed 32036094 (cited by Labcorp Genetics (formerly Invitae), Labcorp).